The following is an entry in ClinVar:

NM_001330700.2(TOP2B):c.3673G>A (p.Val1225Met)

Gene: TOP2B (DNA topoisomerase II beta; minus strand). Cytogenetic location: 3p24.2.
Variant type: single nucleotide variant.
Coding change: c.3673G>A on transcript NM_001330700.2 (MANE Select); coding-DNA position 3673, G replaced by A.
Protein change: p.Val1225Met; replaces valine 1225 with methionine.
Molecular consequence: missense variant.
Genome position (GRCh38, 1-based): chr3:25,612,628, C>T on the plus strand (G>A on the coding strand, the complement: TOP2B is on the minus strand). VCF-style: chr3-25612628-C-T. GRCh37 (hg19) VCF-style: chr3-25654119-C-T.
Other names: c.3658G>A, p.Val1220Met (NM_001068.3); short protein forms V1220M, V1225M.
Identifiers: ClinVar variation 1929863 (VCV001929863.5), dbSNP rs1194112676, ClinGen allele CA351894875.

ClinVar aggregate classification (germline): Uncertain significance (1 of 4 stars; one submission).

Allele frequency attached by ClinVar (database versions not stated): gnomAD exomes below 0.00001; TOPMed below 0.00001; gnomAD 0.00001.
gnomAD v4.1: 7 of 1,613,642 alleles (0.00043%); highest among the groups gnomAD compares: Non-Finnish European, 0.00059%; no homozygotes.

Submission:

Labcorp Genetics (formerly Invitae), Labcorp
Classification: Uncertain significance. Last evaluated: 2022-11-23. Review status: criteria provided, single submitter. Criteria: Invitae Variant Classification Sherloc (09022015). Collection method: clinical testing. Allele origin: germline.
Comment: This variant is present in population databases (no rsID available, gnomAD 0.0009%). In summary, the available evidence is currently insufficient to determine the role of this variant in disease. Therefore, it has been classified as a Variant of Uncertain Significance. Algorithms developed to predict the effect of missense changes on protein structure and function output the following: SIFT: "Tolerated"; PolyPhen-2: "Benign"; Align-GVGD: "Class C0". The methionine amino acid residue is found in multiple mammalian species, which suggests that this missense change does not adversely affect protein function. This variant has not been reported in the literature in individuals affected with TOP2B-related conditions. This sequence change replaces valine, which is neutral and non-polar, with methionine, which is neutral and non-polar, at codon 1220 of the TOP2B protein (p.Val1220Met).